The following is an entry in ClinVar:

ClinVar aggregate classification (germline): Uncertain significance (1 of 4 stars; one submission).

Submission:

Dasa
Classification: Uncertain significance. Last evaluated: 2025-12-11. Review status: criteria provided, single submitter. Criteria: DASA Assertion Criteria. Collection method: clinical testing. Allele origin: germline.
Comment: NM_014208.3(DSPP):c.3417_3418insG (p.Asn1140Glufs*4) is a frameshift variant in DSPP predicted to alter the reading frame and introduce a premature termination codon and is predicted to result in an absent or altered protein product. This variant is rare in population databases. The currently available literature and clinical evidence are not sufficient to establish a definitive association between this variant and the reported condition. Therefore, this variant is classified as a variant of uncertain significance.

NM_014208.3(DSPP):c.3417_3418insG (p.Asn1140fs)

Genes: DMP1-AS1 (DMP1 and DSPP antisense RNA 1; minus strand), DSPP (dentin sialophosphoprotein; plus strand). Cytogenetic location: 4q22.1.
Variant type: Insertion.
Coding change: c.3417_3418insG on transcript NM_014208.3 (MANE Select); coding-DNA positions 3417 to 3418, G inserted.
Protein change: p.Asn1140fs; shifts the reading frame from asparagine 1140.
Molecular consequence: frameshift variant.
Genome position: GRCh38 VCF-style: chr4-87616079-C-CG. GRCh37 (hg19) VCF-style: chr4-88537231-C-CG.
Other names: short protein forms N1140fs.
Identifiers: ClinVar variation 4856912 (VCV004856912.2).